The following is an entry in ClinVar:

ClinVar aggregate classification (germline): Uncertain significance (1 of 4 stars; one submission).

gnomAD v4.1: 2 of 1,614,016 alleles (0.00012%); no homozygotes.

Submission:

Labcorp Genetics (formerly Invitae), Labcorp
Classification: Uncertain significance. Last evaluated: 2024-04-23. Review status: criteria provided, single submitter. Criteria: Invitae Variant Classification Sherloc (09022015). Collection method: clinical testing. Allele origin: germline.
Comment: This sequence change replaces glutamic acid, which is acidic and polar, with alanine, which is neutral and non-polar, at codon 3977 of the DNAH9 protein (p.Glu3977Ala). This variant is present in population databases (rs757827269, gnomAD no frequency). This variant has not been reported in the literature in individuals affected with DNAH9-related conditions. Advanced modeling of protein sequence and biophysical properties (such as structural, functional, and spatial information, amino acid conservation, physicochemical variation, residue mobility, and thermodynamic stability) performed at Invitae indicates that this missense variant is not expected to disrupt DNAH9 protein function with a negative predictive value of 80%. In summary, the available evidence is currently insufficient to determine the role of this variant in disease. Therefore, it has been classified as a Variant of Uncertain Significance.

NM_001372.4(DNAH9):c.11930A>C (p.Glu3977Ala)

Gene: DNAH9 (dynein axonemal heavy chain 9; plus strand). Cytogenetic location: 17p12.
Variant type: single nucleotide variant.
Coding change: c.11930A>C on transcript NM_001372.4 (MANE Select); coding-DNA position 11930, A replaced by C.
Protein change: p.Glu3977Ala; replaces glutamic acid 3977 with alanine.
Molecular consequence: missense variant.
Genome position (GRCh38, 1-based): chr17:11,929,918, A>C. VCF-style: chr17-11929918-A-C. GRCh37 (hg19) VCF-style: chr17-11833235-A-C.
Other names: c.866A>C, p.Glu289Ala (NM_004662.2); short protein forms E289A, E3977A.
Identifiers: ClinVar variation 3009300 (VCV003009300.3), dbSNP rs757827269, ClinGen allele CA288009949.